The following is an entry in ClinVar:

ClinVar aggregate classification (germline): Uncertain significance (1 of 4 stars; one submission).

Allele frequency attached by ClinVar (database versions not stated): gnomAD 0.00001 and 0.00002; TOPMed 0.00001; ExAC 0.00003; gnomAD exomes 0.00004; 1000 Genomes Project 30x 0.00016; 1000 Genomes Project 0.00020.
gnomAD v4.1: 54 of 1,607,838 alleles (0.0034%); highest among the groups gnomAD compares: South Asian, 0.031%; 1 homozygote.

Submission:

Labcorp Genetics (formerly Invitae), Labcorp
Classification: Uncertain significance. Last evaluated: 2022-01-12. Review status: criteria provided, single submitter. Criteria: Invitae Variant Classification Sherloc (09022015). Collection method: clinical testing. Allele origin: germline.
Comment: This sequence change replaces glycine, which is neutral and non-polar, with arginine, which is basic and polar, at codon 4889 of the ADGRV1 protein (p.Gly4889Arg). This variant is present in population databases (rs555579089, gnomAD 0.02%). This variant has not been reported in the literature in individuals affected with ADGRV1-related conditions. ClinVar contains an entry for this variant (Variation ID: 956653). Algorithms developed to predict the effect of missense changes on protein structure and function are either unavailable or do not agree on the potential impact of this missense change (SIFT: "Deleterious"; PolyPhen-2: "Probably Damaging"; Align-GVGD: "Class C0"). Algorithms developed to predict the effect of sequence changes on RNA splicing suggest that this variant may create or strengthen a splice site. In summary, the available evidence is currently insufficient to determine the role of this variant in disease. Therefore, it has been classified as a Variant of Uncertain Significance.

NM_032119.4(ADGRV1):c.14665G>A (p.Gly4889Arg)

Gene: ADGRV1 (adhesion G protein-coupled receptor V1; plus strand). Cytogenetic location: 5q14.3.
Variant type: single nucleotide variant.
Coding change: c.14665G>A on transcript NM_032119.4 (MANE Select); coding-DNA position 14665, G replaced by A.
Protein change: p.Gly4889Arg; replaces glycine 4889 with arginine.
Molecular consequence: missense variant. On other transcripts: non-coding transcript variant (1).
Genome position (GRCh38, 1-based): chr5:90,805,287, G>A. VCF-style: chr5-90805287-G-A. GRCh37 (hg19) VCF-style: chr5-90101104-G-A.
Other names: short protein forms G4889R.
Identifiers: ClinVar variation 956653 (VCV000956653.7), dbSNP rs555579089, ClinGen allele CA3341790.